The following is an entry in ClinVar:

NM_020975.6(RET):c.867+50A>G

Gene: RET (ret proto-oncogene; plus strand). Cytogenetic location: 10q11.21.
Variant type: single nucleotide variant.
Coding change: c.867+50A>G on transcript NM_020975.6 (MANE Select); 50 bases into the intron after coding-DNA position 867, A replaced by G.
Molecular consequence: intron variant.
Genome position (GRCh38, 1-based): chr10:43,105,243, A>G. VCF-style: chr10-43105243-A-G. GRCh37 (hg19) VCF-style: chr10-43600691-A-G.
Other names: c.867+50A>G (NM_020630.7, NM_001406743.1, NM_001406744.1 and 6 more transcripts); c.625+2614A>G (NM_001406773.1, NM_001406771.1, NM_001406782.1 and 5 more transcripts); c.738+50A>G (NM_001406764.1, NM_001406762.1, NM_001406761.1 and 2 more transcripts); c.496+2614A>G (NM_001406786.1, NM_001406783.1); c.579+50A>G (NM_001406770.1, NM_001406766.1, NM_001406767.1); c.338-3788A>G (NM_001406778.1, NM_001406775.1, NM_001406776.1 and 1 more transcripts); c.337+4521A>G (NM_001406790.1, NM_001406788.1, NM_001406789.1 and 1 more transcripts); c.74-3788A>G (NM_001406784.1); and 2 more.
Identifiers: ClinVar variation 4882560 (VCV004882560.2).
Genomic context (GRCh38, chr10:43,105,243, plus strand): 5'-AGCGGAAGGAGGTGCTTGTCCGCGCGTGCTGTGGTCTACCCAGTGTCTGTCTCCGGCCAC[A>G]GTTCGTTTCTCGGTCGGTTTAGTGTCCGTGTAGCCACCCAACCGTGTGGCCGACCATTCG-3'

ClinVar aggregate classification (germline): Uncertain significance (1 of 4 stars; one submission).

Submission:

Dasa
Classification: Uncertain significance. Last evaluated: 2025-12-03. Review status: criteria provided, single submitter. Criteria: DASA Assertion Criteria. Collection method: clinical testing. Allele origin: germline.
Comment: NM_020975.6(RET):c.867+50A>G is an intronic variant. This variant is absent from population databases. Computational prediction algorithms are consistent with a deleterious effect. The currently available literature and clinical evidence are not sufficient to establish a definitive association between this variant and the reported condition. Therefore, this variant is classified as a variant of uncertain significance.